The following is an entry in ClinVar:

ClinVar aggregate classification (germline): Uncertain significance. Review status: criteria provided, multiple submitters, no conflicts (2 of 4 stars). 2 submissions from 2 submitters: Uncertain significance (2). Last evaluated 2025-06-04.

Conditions:
Familial cold autoinflammatory syndrome 3 (FCAS3). Also called: ANTIBODY DEFICIENCY AND IMMUNE DYSREGULATION, PLCG2-ASSOCIATED; FAMILIAL ATYPICAL COLD URTICARIA. Identifiers: Orphanet 300359, MedGen C3280914, MONDO:0013766, OMIM 614468.

Allele frequency attached by ClinVar (database versions not stated): gnomAD exomes 0.00001.
gnomAD v4.1: 20 of 1,603,750 alleles (0.0012%); highest among the groups gnomAD compares: Non-Finnish European, 0.0017%; no homozygotes.

Submissions (2):

Labcorp Genetics (formerly Invitae), Labcorp
Classification: Uncertain significance for Familial cold autoinflammatory syndrome 3. Last evaluated: 2025-06-04. Review status: criteria provided, single submitter. Criteria: Invitae Variant Classification Sherloc (09022015). Collection method: clinical testing. Allele origin: germline.
Comment: This sequence change replaces histidine, which is basic and polar, with tyrosine, which is neutral and polar, at codon 203 of the PLCG2 protein (p.His203Tyr). This variant is present in population databases (no rsID available, gnomAD 0.002%). This variant has not been reported in the literature in individuals affected with PLCG2-related conditions. ClinVar contains an entry for this variant (Variation ID: 2159997). An algorithm developed to predict the effect of missense changes on protein structure and function (PolyPhen-2) suggests that this variant is likely to be disruptive. In summary, the available evidence is currently insufficient to determine the role of this variant in disease. Therefore, it has been classified as a Variant of Uncertain Significance.

Blueprint Genetics
Classification: Uncertain significance. Last evaluated: 2021-11-05. Review status: criteria provided, single submitter. Criteria: ACMG Guidelines, 2015. Collection method: clinical testing. Allele origin: germline.

NM_002661.5(PLCG2):c.607C>T (p.His203Tyr)

Gene: PLCG2 (phospholipase C gamma 2; plus strand). Cytogenetic location: 16q23.3.
Variant type: single nucleotide variant.
Coding change: c.607C>T on transcript NM_002661.5 (MANE Select); coding-DNA position 607, C replaced by T.
Protein change: p.His203Tyr; replaces histidine 203 with tyrosine.
Molecular consequence: missense variant.
Genome position (GRCh38, 1-based): chr16:81,870,894, C>T. VCF-style: chr16-81870894-C-T. GRCh37 (hg19) VCF-style: chr16-81904499-C-T.
Other names: short protein forms H203Y.
Identifiers: ClinVar variation 2159997 (VCV002159997.5), dbSNP rs773199213, ClinGen allele CA396903313.